The following is an entry in ClinVar:

ClinVar aggregate classification (germline): Uncertain significance (1 of 4 stars; one submission).

Conditions:
Hereditary cancer-predisposing syndrome. Also called: Neoplastic Syndromes, Hereditary; Tumor predisposition; Hereditary Cancer Syndrome; Hereditary neoplastic syndrome. Identifiers: Orphanet 140162, MedGen C0027672, MeSH D009386, MONDO:0015356.

Submission:

Ambry Genetics
Classification: Uncertain significance for Hereditary cancer-predisposing syndrome. Last evaluated: 2023-05-31. Review status: criteria provided, single submitter. Criteria: Ambry Variant Classification Scheme 2023. Collection method: clinical testing. Allele origin: germline.
Comment: The p.E512K variant (also known as c.1534G>A), located in coding exon 10 of the CDH1 gene, results from a G to A substitution at nucleotide position 1534. The glutamic acid at codon 512 is replaced by lysine, an amino acid with similar properties. This amino acid position is not well conserved in available vertebrate species. In addition, this alteration is predicted to be tolerated by in silico analysis. Since supporting evidence is limited at this time, the clinical significance of this alteration remains unclear.

NM_004360.5(CDH1):c.1534G>A (p.Glu512Lys)

Gene: CDH1 (cadherin 1; plus strand). Cytogenetic location: 16q22.1.
Variant type: single nucleotide variant.
Coding change: c.1534G>A on transcript NM_004360.5 (MANE Select); coding-DNA position 1534, G replaced by A.
Protein change: p.Glu512Lys; replaces glutamic acid 512 with lysine.
Molecular consequence: missense variant. On other transcripts: 5 prime UTR variant (2).
Genome position (GRCh38, 1-based): chr16:68,815,728, G>A. VCF-style: chr16-68815728-G-A. GRCh37 (hg19) VCF-style: chr16-68849631-G-A.
Other names: c.1534G>A (LRG_301t1); c.1351G>A, p.Glu451Lys (NM_001317184.2); c.-15G>A (NM_001317185.2); c.-286G>A (NM_001317186.2); short protein forms E512K, E451K.
Identifiers: ClinVar variation 231587 (VCV000231587.6), dbSNP rs876659244, ClinGen allele CA10580121.